The following is an entry in ClinVar:

NM_002016.2(FLG):c.7459C>A (p.His2487Asn)

Genes: FLG (filaggrin; minus strand), CCDST (cervical cancer associated DHX9 suppressive transcript; plus strand). Cytogenetic location: 1q21.3.
Variant type: single nucleotide variant.
Coding change: c.7459C>A on transcript NM_002016.2 (MANE Select); coding-DNA position 7459, C replaced by A.
Protein change: p.His2487Asn; replaces histidine 2487 with asparagine.
Molecular consequence: missense variant.
Genome position (GRCh38, 1-based): chr1:152,307,427, G>T on the plus strand (C>A on the coding strand, the complement: FLG is on the minus strand). VCF-style: chr1-152307427-G-T. GRCh37 (hg19) VCF-style: chr1-152279903-G-T.
Other names: short protein forms H2487N.
Identifiers: ClinVar variation 1027982 (VCV001027982.2), dbSNP rs550139731, ClinGen allele CA1104712.
Genomic context (GRCh38, chr1:152,307,427, plus strand): 5'-GCCCATGGGAGGCATCAGACCTTCCCTGGGATGTGGTGTGGCTGTGATGAGACCCTGAGT[G>T]TCCAGATCTATCTACCAATTGCTCGTAGTGGGATCCCTGCCTTCCTCCACTGCTTGACCC-3'
Protein context (NP_002007.1, residues 2477-2497): HYEQLVDRSG[His2487Asn]SGSHHSHTTS

ClinVar aggregate classification (germline): Uncertain significance. Review status: criteria provided, multiple submitters, no conflicts (2 of 4 stars). 2 submissions from 2 submitters: Uncertain significance (2). Last evaluated 2023-11-09.

Conditions:
Inborn genetic diseases. Identifiers: MedGen C0950123, MeSH D030342.
Ichthyosis vulgaris. Also called: ICHTHYOSIS SIMPLEX; Dominant ichthyosis vulgaris. Identifiers: MedGen C0079584, MONDO:0024304, OMIM 146700.

Allele frequency attached by ClinVar (database versions not stated): gnomAD 0.00006 and 0.00009; TOPMed 0.00007; ExAC 0.00016; gnomAD exomes 0.00016; 1000 Genomes Project 30x 0.00062; 1000 Genomes Project 0.00080.
gnomAD v4.1: 57 of 1,613,238 alleles (0.0035%); highest among the groups gnomAD compares: East Asian, 0.11%; no homozygotes.

Submissions (2):

Ambry Genetics
Classification: Uncertain significance for Inborn genetic diseases. Last evaluated: 2023-11-09. Review status: criteria provided, single submitter. Criteria: Ambry Variant Classification Scheme 2023. Collection method: clinical testing. Allele origin: germline.

Baylor Genetics
Classification: Uncertain significance for Ichthyosis vulgaris. Last evaluated: 2019-03-27. Review status: criteria provided, single submitter. Criteria: ACMG Guidelines, 2015. Collection method: clinical testing. Allele origin: paternal. Affected: yes.
Comment: This variant was determined to be of uncertain significance according to ACMG Guidelines, 2015 [PMID:25741868].